The following is an entry in ClinVar:

ClinVar aggregate classification (germline): Pathogenic (1 of 4 stars; one submission).

Conditions:
Kleefstra syndrome 1 (KLEFS1). Identifiers: Orphanet 261494, MedGen C0795833, MONDO:0027407, OMIM 610253.

Submission:

Institute for Genomic Medicine (IGM) Clinical Laboratory, Nationwide Children's Hospital
Classification: Pathogenic for Kleefstra syndrome 1. Last evaluated: 2018-06-04. Review status: criteria provided, single submitter. Criteria: ACMG Guidelines, 2015. Collection method: clinical testing. Allele origin: germline. Affected: yes.
Comment: [ACMG/AMP: PVS1, PS2, PM2] This alteration is a null variant in a gene where LOF is a known mechanism of disease [PVS1], is de novo in origin as it was not detected in the submitted parental specimens (identity confirmed) [PS2], is absent from or rarely observed in large-scale population databases [PM2].

NM_024757.5(EHMT1):c.2079dup (p.Glu694fs)

Gene: EHMT1 (euchromatic histone lysine methyltransferase 1; plus strand). Cytogenetic location: 9q34.3.
Variant type: Duplication.
Coding change: c.2079dup on transcript NM_024757.5 (MANE Select); coding-DNA position 2079, one base duplicated (C; older notation c.2079dupC).
Protein change: p.Glu694fs; shifts the reading frame from glutamic acid 694.
Molecular consequence: frameshift variant.
Genome position (GRCh38, 1-based): chr9:137,777,942, C duplicated; the last of 3 consecutive C bases (chr9:137,777,940-137,777,942); duplicating any one gives the same sequence. VCF-style (leftmost placement, unchanged base first): chr9-137777939-G-GC. GRCh37 (hg19) VCF-style: chr9-140672391-G-GC.
Other names: c.2079dup, p.Glu694fs (NM_001145527.2); c.1986dup, p.Glu663fs (NM_001354259.2); c.2058dup, p.Glu687fs (NM_001354263.2); short protein forms E687fs, E694fs, E663fs.
Identifiers: ClinVar variation 973221 (VCV000973221.5), dbSNP rs1951085667, ClinGen allele CA1139661354.